The following is an entry in ClinVar:

ClinVar aggregate classification (germline): Conflicting classifications of pathogenicity. Review status: criteria provided, conflicting classifications (1 of 4 stars). 4 submissions from 4 submitters: Uncertain significance (1); Benign (1); Likely benign (2). Last evaluated 2026-04-15.

Conditions:
Familial thoracic aortic aneurysm and aortic dissection (TAAD). Also called: Thoracic aortic aneurysms and dissections. Identifiers: Orphanet 91387, MedGen C4707243, MONDO:0019625.
Ehlers-Danlos syndrome, classic type, 1 (EDSCL1). Also called: EHLERS-DANLOS SYNDROME, GRAVIS TYPE; EHLERS-DANLOS SYNDROME, SEVERE CLASSIC TYPE; EDS I; Ehlers-Danlos Syndrome, Classic Type, COL5A1-Related; Ehlers-Danlos syndrome, type 1. Identifiers: MedGen C0268335, MONDO:0019567, OMIM 130000.

Allele frequency attached by ClinVar (database versions not stated): TOPMed 0.00020.
gnomAD v4.1: 40 of 1,300,610 alleles (0.0031%); highest among the groups gnomAD compares: Admixed American, 0.12%; 1 homozygote.

Submissions (4):

Women's Health and Genetics/Laboratory Corporation of America, LabCorp
Classification: Likely benign. Last evaluated: 2026-04-15. Review status: criteria provided, single submitter. Criteria: LabCorp Variant Classification Summary - May 2015. Collection method: clinical testing. Allele origin: germline.
Comment: Variant summary: COL5A1 c.34G>A (p.Ala12Thr) results in a non-conservative amino acid change in the encoded protein sequence. Algorithms developed to predict the effect of missense changes on protein structure and function are either unavailable or do not agree on the potential impact of this missense change. The variant allele was found at a frequency of 3.2e-05 in 1300610 control chromosomes, predominantly at a frequency of 0.0012 within the Latino subpopulation in the gnomAD database, including 1 homozygote. The observed variant frequency within Latino control individuals in the gnomAD database exceeds the estimated maximal expected allele frequency for disease-causing variants in COL5A1, providing supporting evidence for a benign role. To our knowledge, no occurrence of c.34G>A in individuals affected with COL5A1-related conditions and no experimental evidence demonstrating its impact on protein function have been reported. ClinVar contains an entry for this variant (Variation ID: 459676). Based on the evidence outlined above, the variant was classified as likely benign.

Labcorp Genetics (formerly Invitae), Labcorp
Classification: Benign for Ehlers-Danlos syndrome, classic type, 1. Last evaluated: 2025-11-24. Review status: criteria provided, single submitter. Criteria: Invitae Variant Classification Sherloc (09022015). Collection method: clinical testing. Allele origin: germline.

Ambry Genetics
Classification: Likely benign for Familial thoracic aortic aneurysm and aortic dissection. Last evaluated: 2025-09-08. Review status: criteria provided, single submitter. Criteria: Ambry Variant Classification Scheme 2023. Collection method: clinical testing. Allele origin: germline.

GeneDx
Classification: Uncertain significance. Last evaluated: 2025-03-12. Review status: criteria provided, single submitter. Criteria: GeneDx Variant Classification Process June 2021. Collection method: clinical testing. Allele origin: germline. Affected: yes.
Comment: Has not been previously published as pathogenic or benign to our knowledge; In silico analysis indicates that this missense variant does not alter protein structure/function; This variant is associated with the following publications: (PMID: 22696272)

NM_000093.5(COL5A1):c.34G>A (p.Ala12Thr)

Gene: COL5A1 (collagen type V alpha 1 chain; plus strand). Cytogenetic location: 9q34.3.
Variant type: single nucleotide variant.
Coding change: c.34G>A on transcript NM_000093.5 (MANE Select); coding-DNA position 34, G replaced by A.
Protein change: p.Ala12Thr; replaces alanine 12 with threonine.
Molecular consequence: missense variant.
Genome position (GRCh38, 1-based): chr9:134,642,221, G>A. VCF-style: chr9-134642221-G-A. GRCh37 (hg19) VCF-style: chr9-137534067-G-A.
Other names: c.34G>A, p.Ala12Thr (NM_001278074.1); short protein forms A12T.
Identifiers: ClinVar variation 459676 (VCV000459676.21), dbSNP rs1160540030, ClinGen allele CA375443827.
Genomic context (GRCh38, chr9:134,642,221, plus strand): 5'-GTGCGCCCCGGCCCGCGCCCCGCCGGCATGGACGTCCATACCCGCTGGAAAGCGCGCAGC[G>A]CGCTCCGCCCGGGCGCCCCGCTGCTGCCCCCGCTGCTGCTGCTGCTGCTGTGGGCGCCGC-3'
Protein context (NP_000084.3, residues 2-22): DVHTRWKARS[Ala12Thr]LRPGAPLLPP